The following is an entry in ClinVar:

ClinVar aggregate classification (germline): Uncertain significance (1 of 4 stars; one submission).

Conditions:
Inborn genetic diseases. Identifiers: MedGen C0950123, MeSH D030342.

Submission:

Ambry Genetics
Classification: Uncertain significance for Inborn genetic diseases. Last evaluated: 2025-07-15. Review status: criteria provided, single submitter. Criteria: Ambry Variant Classification Scheme 2023. Collection method: clinical testing. Allele origin: germline.
Comment: The p.F368L variant (also known as c.1102T>C), located in coding exon 6 of the ETV6 gene, results from a T to C substitution at nucleotide position 1102. The phenylalanine at codon 368 is replaced by leucine, an amino acid with highly similar properties. This variant was identified in a patient with childhood acute lymphoblastic leukemia (Moriyama T et al. Lancet Oncol, 2015 Dec;16:1659-66). In multiple assays testing ETV6 function, this variant showed functionally abnormal results (Nishii R et al. Blood, 2021 Jan;137:364-373). This amino acid position is highly conserved in available vertebrate species. In addition, this alteration is predicted to be deleterious by in silico analysis. Based on the available evidence, the clinical significance of this variant remains unclear.

Literature cited by the submitters: PubMed 26522332; PubMed 32693409.

NM_001987.5(ETV6):c.1102T>C (p.Phe368Leu)

Genes: ETV6 (ETS variant transcription factor 6; plus strand), LOC126861452 (CDK7 strongly-dependent group 2 enhancer GRCh37_chr12:12037195-12038394; plus strand). Cytogenetic location: 12p13.2.
Variant type: single nucleotide variant.
Coding change: c.1102T>C on transcript NM_001987.5 (MANE Select); coding-DNA position 1102, T replaced by C.
Protein change: p.Phe368Leu; replaces phenylalanine 368 with leucine.
Molecular consequence: missense variant. On other transcripts: intron variant (1).
Genome position (GRCh38, 1-based): chr12:11,884,537, T>C. VCF-style: chr12-11884537-T-C. GRCh37 (hg19) VCF-style: chr12-12037471-T-C.
Other names: c.1099T>C, p.Phe367Leu (NM_001413913.1); c.1075T>C, p.Phe359Leu (NM_001413914.1); c.838T>C, p.Phe280Leu (NM_001413915.1); c.1010-6404T>C (NM_001413917.1); short protein forms F280L, F359L, F368L, F367L.
Identifiers: ClinVar variation 4251449 (VCV004251449.1).